The following is an entry in ClinVar:

ClinVar aggregate classification (germline): Uncertain significance (1 of 4 stars; one submission).

Conditions:
Leukocyte adhesion deficiency 1 (LAD1). Also called: LEUKOCYTE ADHESION DEFICIENCY, TYPE I; LAD 1; Lymphocyte function-associated antigen 1 immunodeficiency; LFA 1 immunodeficiency. Identifiers: Orphanet 2968, Orphanet 99842, MedGen C0398738, MONDO:0007293, OMIM 116920.

Allele frequency attached by ClinVar (database versions not stated): gnomAD exomes 0.00003 and 0.00006; ESP Exome Variant Server 0.00008; ExAC 0.00009; gnomAD 0.00011 and 0.00013; TOPMed 0.00015.

Submission:

Labcorp Genetics (formerly Invitae), Labcorp
Classification: Uncertain significance for Leukocyte adhesion deficiency 1. Last evaluated: 2022-07-11. Review status: criteria provided, single submitter. Criteria: Invitae Variant Classification Sherloc (09022015). Collection method: clinical testing. Allele origin: germline.
Comment: This sequence change replaces threonine, which is neutral and polar, with methionine, which is neutral and non-polar, at codon 416 of the ITGB2 protein (p.Thr416Met). This variant is present in population databases (rs113084585, gnomAD 0.03%). This variant has not been reported in the literature in individuals affected with ITGB2-related conditions. ClinVar contains an entry for this variant (Variation ID: 1416853). Algorithms developed to predict the effect of missense changes on protein structure and function are either unavailable or do not agree on the potential impact of this missense change (SIFT: "Tolerated"; PolyPhen-2: "Possibly Damaging"; Align-GVGD: "Class C0"). In summary, the available evidence is currently insufficient to determine the role of this variant in disease. Therefore, it has been classified as a Variant of Uncertain Significance.

NM_000211.5(ITGB2):c.1247C>T (p.Thr416Met)

Gene: ITGB2 (integrin subunit beta 2; minus strand). Cytogenetic location: 21q22.3.
Variant type: single nucleotide variant.
Coding change: c.1247C>T on transcript NM_000211.5 (MANE Select); coding-DNA position 1247, C replaced by T.
Protein change: p.Thr416Met; replaces threonine 416 with methionine.
Molecular consequence: missense variant.
Genome position (GRCh38, 1-based): chr21:44,891,974, G>A on the plus strand (C>T on the coding strand, the complement: ITGB2 is on the minus strand). VCF-style: chr21-44891974-G-A. GRCh37 (hg19) VCF-style: chr21-46311889-G-A.
Other names: c.1247C>T, p.Thr416Met (NM_001127491.3); c.1040C>T, p.Thr347Met (NM_001303238.2); short protein forms T416M, T347M.
Identifiers: ClinVar variation 1416853 (VCV001416853.3), dbSNP rs113084585, ClinGen allele CA10062874.